The following is an entry in ClinVar:

NM_205836.3(FBXO38):c.401C>G (p.Ala134Gly)

Gene: FBXO38 (F-box protein 38; plus strand). Cytogenetic location: 5q32.
Variant type: single nucleotide variant.
Coding change: c.401C>G on transcript NM_205836.3 (MANE Select); coding-DNA position 401, C replaced by G.
Protein change: p.Ala134Gly; replaces alanine 134 with glycine.
Molecular consequence: missense variant.
Genome position (GRCh38, 1-based): chr5:148,402,120, C>G. VCF-style: chr5-148402120-C-G. GRCh37 (hg19) VCF-style: chr5-147781683-C-G.
Other names: c.401C>G, p.Ala134Gly (NM_001271723.2, NM_030793.5); short protein forms A134G.
Identifiers: ClinVar variation 3715159 (VCV003715159.2).
Genomic context (GRCh38, chr5:148,402,120, plus strand): 5'-ACCTTGAGAGGCGAAGAGTAAGGGGCCATGAGGCTTTTAGCATTCCAGGAGTCCTAGAAG[C>G]TTTGCAGGCATGCCCAAACTTAGTGGTGAGTGCACCTGGTTGAACATTTTGGCATCAACT-3'
Protein context (NP_995308.1, residues 124-144): EAFSIPGVLE[Ala134Gly]LQACPNLVGV

ClinVar aggregate classification (germline): Uncertain significance (1 of 4 stars; one submission).

Conditions:
Distal hereditary motor neuropathy type 2. Identifiers: Orphanet 139525, MedGen C3711384, MeSH C580044, MONDO:0015352.

Submission:

Labcorp Genetics (formerly Invitae), Labcorp
Classification: Uncertain significance for Distal hereditary motor neuropathy type 2. Last evaluated: 2024-12-04. Review status: criteria provided, single submitter. Criteria: Invitae Variant Classification Sherloc (09022015). Collection method: clinical testing. Allele origin: germline.
Comment: This sequence change replaces alanine, which is neutral and non-polar, with glycine, which is neutral and non-polar, at codon 134 of the FBXO38 protein (p.Ala134Gly). This variant is not present in population databases (gnomAD no frequency). This variant has not been reported in the literature in individuals affected with FBXO38-related conditions. Invitae Evidence Modeling of protein sequence and biophysical properties (such as structural, functional, and spatial information, amino acid conservation, physicochemical variation, residue mobility, and thermodynamic stability) indicates that this missense variant is expected to disrupt FBXO38 protein function with a positive predictive value of 80%. Algorithms developed to predict the effect of sequence changes on RNA splicing suggest that this variant may disrupt the consensus splice site. In summary, the available evidence is currently insufficient to determine the role of this variant in disease. Therefore, it has been classified as a Variant of Uncertain Significance.